The following is an entry in ClinVar:

NM_025233.7(COASY):c.1068A>T (p.Thr356=)

Gene: COASY (Coenzyme A synthase; plus strand). Cytogenetic location: 17q21.2.
Variant type: single nucleotide variant.
Coding change: c.1068A>T on transcript NM_025233.7 (MANE Select); coding-DNA position 1068, A replaced by T.
Protein change: p.Thr356=; no amino-acid change (threonine 356 retained).
Molecular consequence: synonymous variant.
Genome position (GRCh38, 1-based): chr17:42,564,729, A>T. VCF-style: chr17-42564729-A-T. GRCh37 (hg19) VCF-style: chr17-40716747-A-T.
Other names: c.1068A>T, p.Thr356= (NM_001042529.3); c.1155A>T, p.Thr385= (NM_001042532.4).
Identifiers: ClinVar variation 511376 (VCV000511376.1), dbSNP rs1219661290, ClinGen allele CA500219971.

ClinVar aggregate classification (germline): Likely benign (1 of 4 stars; one submission).

Submission:

GeneDx
Classification: Likely benign. Last evaluated: 2017-08-25. Review status: criteria provided, single submitter. Criteria: GeneDx Variant Classification (06012015). Collection method: clinical testing. Allele origin: germline. Affected: yes.
Comment: This variant is considered likely benign or benign based on one or more of the following criteria: it is a conservative change, it occurs at a poorly conserved position in the protein, it is predicted to be benign by multiple in silico algorithms, and/or has population frequency not consistent with disease.